The following is an entry in ClinVar:

NM_007294.4(BRCA1):c.2558dup (p.Asp853fs)

Gene: BRCA1 (BRCA1 DNA repair associated; minus strand). Cytogenetic location: 17q21.31.
Variant type: Duplication.
Coding change: c.2558dup on transcript NM_007294.4 (MANE Select); coding-DNA position 2558, one base duplicated (A; older notation c.2558dupA).
Protein change: p.Asp853fs; shifts the reading frame from aspartic acid 853.
Molecular consequence: frameshift variant. On other transcripts: intron variant (137).
Genome position (GRCh38, 1-based): chr17:43,092,973, T duplicated on the plus strand (A on the coding strand, the reverse complement: BRCA1 is on the minus strand). VCF-style (leftmost placement, unchanged base first): chr17-43092972-A-AT. GRCh37 (hg19) VCF-style: chr17-41244989-A-AT.
Other names: 2676insA; 2676_2677insA; c.2558dupA (NM_007294.3); c.2432dup, p.Asp811fs (NM_001407690.1, NM_001407691.1, NM_001407940.1 and 11 more transcripts); c.2417dup, p.Asp806fs (NM_001407692.1, NM_001407694.1, NM_001407695.1 and 29 more transcripts); c.2414dup, p.Asp805fs (NM_001407740.1, NM_001407741.1, NM_001407742.1 and 20 more transcripts); c.2345dup, p.Asp782fs (NM_001407853.1, NM_001407894.1, NM_001407895.1 and 9 more transcripts); c.2558dup, p.Asp853fs (NM_001407854.1, NM_001407858.1, NM_001407859.1 and 30 more transcripts); and 44 more; short protein forms D853fs, D806fs, D557fs, D725fs, D764fs, D765fs, D783fs, D811fs.
Identifiers: ClinVar variation 54599 (VCV000054599.5), dbSNP rs80357835, ClinGen allele CA001684.
Genomic context (GRCh38, chr17:43,092,972, plus strand): 5'-TGAAAACGGAGCAAATGACTGGCGCTTTGAAACCTTGAATGTATTCTGCAAATACTGAGC[A>AT]TCAAGTTCACTTTCTTCCATTTCTATGCTTGTTTCCCGACTGTGGTTAACTTCATGTCCC-3'

ClinVar aggregate classification (germline): Pathogenic. Review status: reviewed by expert panel (3 of 4 stars). 3 submissions from 3 submitters: Pathogenic (1). 2 of the submissions do not count toward it. Last evaluated 2016-04-22.

Conditions:
Breast-ovarian cancer, familial, susceptibility to, 1 (BROVCA1). Also called: OVARIAN CANCER, SUSCEPTIBILITY TO; BRCA1 Hereditary Breast and Ovarian Cancer. Identifiers: Orphanet 145, MedGen C2676676, MONDO:0011450, OMIM 604370. Disease mechanism: loss of function.

Submissions (3):

Evidence-based Network for the Interpretation of Germline Mutant Alleles (ENIGMA)
Classification: Pathogenic for Breast-ovarian cancer, familial, susceptibility to, 1. Last evaluated: 2016-04-22. Review status: reviewed by expert panel. Criteria: ENIGMA BRCA1/2 Classification Criteria (2015). Collection method: curation. Allele origin: germline.
Comment: Variant allele predicted to encode a truncated non-functional protein.

Consortium of Investigators of Modifiers of BRCA1/2 (CIMBA), c/o University of Cambridge
Classification: Pathogenic for Breast-ovarian cancer, familial, susceptibility to, 1. Last evaluated: 2015-10-02. Review status: criteria provided, single submitter. Criteria: CIMBA Mutation Classification guidelines May 2016. Collection method: clinical testing. Allele origin: germline. Not counted in ClinVar's aggregate classification.

Breast Cancer Information Core (BIC) (BRCA1)
Classification: Pathogenic for Breast-ovarian cancer, familial 1. Last evaluated: 2003-11-25. Review status: no assertion criteria provided. Collection method: clinical testing. Allele origin: germline. Affected: yes. Observed: 1 variant allele. Not counted in ClinVar's aggregate classification.